The following is an entry in ClinVar:

NM_001128840.3(CACNA1D):c.4288G>T (p.Gly1430Trp)

Gene: CACNA1D (calcium voltage-gated channel subunit alpha1 D; plus strand). Cytogenetic location: 3p21.1.
Variant type: single nucleotide variant.
Coding change: c.4288G>T on transcript NM_001128840.3 (MANE Select); coding-DNA position 4288, G replaced by T.
Protein change: p.Gly1430Trp; replaces glycine 1430 with tryptophan.
Molecular consequence: missense variant.
Genome position (GRCh38, 1-based): chr3:53,775,971, G>T. VCF-style: chr3-53775971-G-T. GRCh37 (hg19) VCF-style: chr3-53809998-G-T.
Other names: c.4348G>T, p.Gly1450Trp (NM_000720.4); c.4243G>T, p.Gly1415Trp (NM_001128839.3); short protein forms G1450W, G1430W, G1415W.
Identifiers: ClinVar variation 4721665 (VCV004721665.1).

ClinVar aggregate classification (germline): Uncertain significance (1 of 4 stars; one submission).

gnomAD v4.1: 1 of 1,613,906 alleles (0.000062%); highest among the groups gnomAD compares: East Asian, 0.0022%; no homozygotes.

Submission:

Labcorp Genetics (formerly Invitae), Labcorp
Classification: Uncertain significance. Last evaluated: 2025-06-18. Review status: criteria provided, single submitter. Criteria: Invitae Variant Classification Sherloc (09022015). Collection method: clinical testing. Allele origin: germline.
Comment: This sequence change replaces glycine, which is neutral and non-polar, with tryptophan, which is neutral and slightly polar, at codon 1450 of the CACNA1D protein (p.Gly1450Trp). This variant is not present in population databases (gnomAD no frequency). This variant has not been reported in the literature in individuals affected with CACNA1D-related conditions. An algorithm developed to predict the effect of missense changes on protein structure and function (PolyPhen-2) suggests that this variant is likely to be disruptive. In summary, the available evidence is currently insufficient to determine the role of this variant in disease. Therefore, it has been classified as a Variant of Uncertain Significance.